The following is an entry in ClinVar:

NM_005732.4(RAD50):c.534G>C (p.Glu178Asp)

Gene: RAD50 (RAD50 double strand break repair protein; plus strand). Cytogenetic location: 5q31.1.
Variant type: single nucleotide variant.
Coding change: c.534G>C on transcript NM_005732.4 (MANE Select); coding-DNA position 534, G replaced by C.
Protein change: p.Glu178Asp; replaces glutamic acid 178 with aspartic acid.
Molecular consequence: missense variant.
Genome position (GRCh38, 1-based): chr5:132,579,485, G>C. VCF-style: chr5-132579485-G-C. GRCh37 (hg19) VCF-style: chr5-131915177-G-C.
Other names: short protein forms E178D.
Identifiers: ClinVar variation 853478 (VCV000853478.11), dbSNP rs1580987340, ClinGen allele CA360935072.

ClinVar aggregate classification (germline): Uncertain significance. Review status: criteria provided, multiple submitters, no conflicts (2 of 4 stars). 2 submissions from 2 submitters: Uncertain significance (2). Last evaluated 2024-09-30.

Conditions:
Hereditary cancer-predisposing syndrome. Also called: Neoplastic Syndromes, Hereditary; Hereditary Cancer Syndrome; Tumor predisposition; Hereditary neoplastic syndrome. Identifiers: Orphanet 140162, MedGen C0027672, MeSH D009386, MONDO:0015356.

Submissions (2):

Ambry Genetics
Classification: Uncertain significance for Hereditary cancer-predisposing syndrome. Last evaluated: 2024-09-30. Review status: criteria provided, single submitter. Criteria: Ambry Variant Classification Scheme 2023. Collection method: clinical testing. Allele origin: germline.
Comment: The p.E178D variant (also known as c.534G>C), located in coding exon 4 of the RAD50 gene, results from a G to C substitution at nucleotide position 534. The glutamic acid at codon 178 is replaced by aspartic acid, an amino acid with highly similar properties. This amino acid position is conserved. In addition, this alteration is predicted to be tolerated by in silico analysis. Based on the available evidence, the clinical significance of this variant remains unclear.

Labcorp Genetics (formerly Invitae), Labcorp
Classification: Uncertain significance for Hereditary cancer-predisposing syndrome. Last evaluated: 2019-01-11. Review status: criteria provided, single submitter. Criteria: Invitae Variant Classification Sherloc (09022015). Collection method: clinical testing. Allele origin: germline.
Comment: In summary, the available evidence is currently insufficient to determine the role of this variant in disease. Therefore, it has been classified as a Variant of Uncertain Significance. Algorithms developed to predict the effect of missense changes on protein structure and function (SIFT, PolyPhen-2, Align-GVGD) all suggest that this variant is likely to be tolerated, but these predictions have not been confirmed by published functional studies and their clinical significance is uncertain. This variant has not been reported in the literature in individuals with RAD50-related conditions. This variant is not present in population databases (ExAC no frequency). This sequence change replaces glutamic acid with aspartic acid at codon 178 of the RAD50 protein (p.Glu178Asp). The glutamic acid residue is moderately conserved and there is a small physicochemical difference between glutamic acid and aspartic acid.